The following is an entry in ClinVar:

ClinVar aggregate classification (germline): Uncertain significance (1 of 4 stars; one submission).

Allele frequency attached by ClinVar (database versions not stated): gnomAD 0.00001; gnomAD exomes 0.00004 and 0.00006; ExAC 0.00006.
gnomAD v4.1: 51 of 1,613,736 alleles (0.0032%); highest among the groups gnomAD compares: South Asian, 0.055%; no homozygotes.

Submission:

Labcorp Genetics (formerly Invitae), Labcorp
Classification: Uncertain significance. Last evaluated: 2021-09-18. Review status: criteria provided, single submitter. Criteria: Invitae Variant Classification Sherloc (09022015). Collection method: clinical testing. Allele origin: germline.
Comment: In summary, the available evidence is currently insufficient to determine the role of this variant in disease. Therefore, it has been classified as a Variant of Uncertain Significance. Algorithms developed to predict the effect of missense changes on protein structure and function output the following: SIFT: "Tolerated"; PolyPhen-2: "Benign"; Align-GVGD: "Class C0". The threonine amino acid residue is found in multiple mammalian species, which suggests that this missense change does not adversely affect protein function. This variant has not been reported in the literature in individuals affected with TOE1-related conditions. This variant is present in population databases (rs770784428, ExAC 0.04%). This sequence change replaces proline with threonine at codon 294 of the TOE1 protein (p.Pro294Thr). The proline residue is weakly conserved and there is a small physicochemical difference between proline and threonine.

NM_025077.4(TOE1):c.880C>A (p.Pro294Thr)

Gene: TOE1 (target of EGR1, exonuclease; plus strand). Cytogenetic location: 1p34.1.
Variant type: single nucleotide variant.
Coding change: c.880C>A on transcript NM_025077.4 (MANE Select); coding-DNA position 880, C replaced by A.
Protein change: p.Pro294Thr; replaces proline 294 with threonine.
Molecular consequence: missense variant.
Genome position (GRCh38, 1-based): chr1:45,342,970, C>A. VCF-style: chr1-45342970-C-A. GRCh37 (hg19) VCF-style: chr1-45808642-C-A.
Other names: short protein forms P294T.
Identifiers: ClinVar variation 1468965 (VCV001468965.6), dbSNP rs770784428, ClinGen allele CA826702.